The following is an entry in ClinVar:

ClinVar aggregate classification (germline): Likely benign (1 of 4 stars; one submission).

Allele frequency attached by ClinVar (database versions not stated): gnomAD exomes below 0.00001.
gnomAD v4.1: 3 of 1,613,858 alleles (0.00019%); highest among the groups gnomAD compares: Non-Finnish European, 0.00017%; no homozygotes.

Submission:

CeGaT Center for Human Genetics Tuebingen
Classification: Likely benign. Last evaluated: 2022-12-01. Review status: criteria provided, single submitter. Criteria: CeGaT Center For Human Genetics Tuebingen Variant Classification Criteria Version 2. Collection method: clinical testing. Allele origin: germline. Affected: yes. Observed: 1 variant allele.
Comment: PLEC: PM2:Supporting, BP4, BP7

NM_201384.3(PLEC):c.156C>T (p.Val52=)

Gene: PLEC (plectin; minus strand). Cytogenetic location: 8q24.3.
Variant type: single nucleotide variant.
Coding change: c.156C>T on transcript NM_201384.3 (MANE Select); coding-DNA position 156, C replaced by T.
Protein change: p.Val52=; no amino-acid change (valine 52 retained).
Molecular consequence: synonymous variant.
Genome position (GRCh38, 1-based): chr8:143,938,649, G>A on the plus strand (C>T on the coding strand, the complement: PLEC is on the minus strand). VCF-style: chr8-143938649-G-A. GRCh37 (hg19) VCF-style: chr8-145012817-G-A.
Other names: c.60C>T, p.Val20= (NM_201381.3); c.156C>T, p.Val52= (NM_201382.4); c.168C>T, p.Val56= (NM_201383.3); c.237C>T, p.Val79= (NM_000445.5, NM_001410941.1); c.114C>T, p.Val38= (NM_201378.4); c.90C>T, p.Val30= (NM_201379.3); c.567C>T, p.Val189= (NM_201380.4).
Identifiers: ClinVar variation 1879724 (VCV001879724.29), dbSNP rs2539316351, ClinGen allele CA463435888.